The following is an entry in ClinVar:

NM_018043.7(ANO1):c.243G>A (p.Arg81=)

Gene: ANO1 (anoctamin 1; plus strand). Cytogenetic location: 11q13.3.
Variant type: single nucleotide variant.
Coding change: c.243G>A on transcript NM_018043.7 (MANE Select); coding-DNA position 243, G replaced by A.
Protein change: p.Arg81=; no amino-acid change (arginine 81 retained).
Molecular consequence: synonymous variant. On other transcripts: non-coding transcript variant (1).
Genome position (GRCh38, 1-based): chr11:70,087,886, G>A. VCF-style: chr11-70087886-G-A. GRCh37 (hg19) VCF-style: chr11-69933992-G-A.
Other names: c.366G>A, p.Arg122= (NM_001378092.1); c.243G>A, p.Arg81= (NM_001378093.1, NM_001378094.2, NM_001378095.2 and 2 more transcripts).
Identifiers: ClinVar variation 774696 (VCV000774696.21), dbSNP rs369009893, ClinGen allele CA6157287.

ClinVar aggregate classification (germline): Benign/Likely benign. Review status: criteria provided, multiple submitters, no conflicts (2 of 4 stars). 3 submissions from 3 submitters: Benign (1); Likely benign (2). Last evaluated 2026-08-01.

Allele frequency attached by ClinVar (database versions not stated): TOPMed 0.00120; gnomAD 0.00131 and 0.00135; ESP Exome Variant Server 0.00139; ExAC 0.00156; gnomAD exomes 0.00211; 1000 Genomes Project 0.00040; 1000 Genomes Project 30x 0.00078.
gnomAD v4.1: 3,282 of 1,612,160 alleles (0.2%); highest among the groups gnomAD compares: Non-Finnish European, 0.23%; 6 homozygotes.

Submissions (3):

CeGaT Center for Human Genetics Tuebingen
Classification: Likely benign. Last evaluated: 2026-08-01. Review status: criteria provided, single submitter. Criteria: CeGaT Center For Human Genetics Tuebingen Variant Classification Criteria Version 2. Collection method: clinical testing. Allele origin: germline. Affected: yes. Observed: 4 variant alleles.
Comment: ANO1: BP4, BP7

Blueprint Genetics
Classification: Likely benign. Last evaluated: 2024-11-13. Review status: criteria provided, single submitter. Criteria: ACMG Guidelines, 2015. Collection method: clinical testing. Allele origin: germline.

Labcorp Genetics (formerly Invitae), Labcorp
Classification: Benign. Last evaluated: 2018-08-08. Review status: criteria provided, single submitter. Criteria: Invitae Variant Classification Sherloc (09022015). Collection method: clinical testing. Allele origin: germline.